The following is an entry in ClinVar:

ClinVar aggregate classification (germline): Uncertain significance. Review status: criteria provided, multiple submitters, no conflicts (2 of 4 stars). 2 submissions from 2 submitters: Uncertain significance (2). Last evaluated 2026-03-09.

Conditions:
Inborn genetic diseases. Identifiers: MedGen C0950123, MeSH D030342.

gnomAD v4.1: 2 of 1,613,626 alleles (0.00012%); highest among the groups gnomAD compares: Non-Finnish European, 0.00017%; no homozygotes.

Submissions (2):

GeneDx
Classification: Uncertain significance. Last evaluated: 2026-03-09. Review status: criteria provided, single submitter. Criteria: GeneDx Variant Classification Process June 2021. Collection method: clinical testing. Allele origin: germline.
Comment: Not observed at significant frequency in large population cohorts (gnomAD); In silico analysis suggests that this missense variant does not alter protein structure/function; Has not been previously published as pathogenic or benign to our knowledge

Ambry Genetics
Classification: Uncertain significance for Inborn genetic diseases. Last evaluated: 2025-12-02. Review status: criteria provided, single submitter. Criteria: Ambry Variant Classification Scheme 2023. Collection method: clinical testing. Allele origin: germline.

NM_017780.4(CHD7):c.8459T>C (p.Leu2820Pro)

Gene: CHD7 (chromodomain helicase DNA binding protein 7; plus strand). Cytogenetic location: 8q12.2.
Variant type: single nucleotide variant.
Coding change: c.8459T>C on transcript NM_017780.4 (MANE Select); coding-DNA position 8459, T replaced by C.
Protein change: p.Leu2820Pro; replaces leucine 2820 with proline.
Molecular consequence: missense variant.
Genome position (GRCh38, 1-based): chr8:60,865,398, T>C. VCF-style: chr8-60865398-T-C. GRCh37 (hg19) VCF-style: chr8-61777957-T-C.
Other names: c.2312T>C, p.Leu771Pro (NM_001316690.1); short protein forms L2820P, L771P.
Identifiers: ClinVar variation 4614835 (VCV004614835.2).